The following is an entry in ClinVar:

ClinVar aggregate classification (germline): Uncertain significance (1 of 4 stars; one submission).

gnomAD v4.1: 1 of 1,613,816 alleles (0.000062%); highest among the groups gnomAD compares: Non-Finnish European, 0.000085%; no homozygotes.

Submission:

Ambry Genetics
Classification: Uncertain significance. Last evaluated: 2026-03-06. Review status: criteria provided, single submitter. Criteria: Ambry Variant Classification Scheme 2023. Collection method: clinical testing. Allele origin: germline.
Comment: The p.P670L variant (also known as c.2009C>T), located in coding exon 1 of the MLH3 gene, results from a C to T substitution at nucleotide position 2009. The proline at codon 670 is replaced by leucine, an amino acid with similar properties. This amino acid position is conserved. In addition, this alteration is predicted to be tolerated by in silico analysis. Based on the available evidence, the clinical significance of this variant remains unclear.

NM_001040108.2(MLH3):c.2009C>T (p.Pro670Leu)

Gene: MLH3 (mutL homolog 3; minus strand). Cytogenetic location: 14q24.3.
Variant type: single nucleotide variant.
Coding change: c.2009C>T on transcript NM_001040108.2 (MANE Select); coding-DNA position 2009, C replaced by T.
Protein change: p.Pro670Leu; replaces proline 670 with leucine.
Molecular consequence: missense variant.
Genome position (GRCh38, 1-based): chr14:75,047,647, G>A on the plus strand (C>T on the coding strand, the complement: MLH3 is on the minus strand). VCF-style: chr14-75047647-G-A. GRCh37 (hg19) VCF-style: chr14-75514350-G-A.
Other names: c.2009C>T, p.Pro670Leu (NM_014381.3); short protein forms P670L.
Identifiers: ClinVar variation 4826065 (VCV004826065.1).